The following is an entry in ClinVar:

NM_000168.6(GLI3):c.1029-11C>T

Gene: GLI3 (GLI family zinc finger 3; minus strand). Cytogenetic location: 7p14.1.
Variant type: single nucleotide variant.
Coding change: c.1029-11C>T on transcript NM_000168.6 (MANE Select); 11 bases into the intron before coding-DNA position 1029, C replaced by T.
Molecular consequence: intron variant.
Genome position (GRCh38, 1-based): chr7:42,026,423, G>A on the plus strand (C>T on the coding strand, the complement: GLI3 is on the minus strand). VCF-style: chr7-42026423-G-A. GRCh37 (hg19) VCF-style: chr7-42066022-G-A.
Identifiers: ClinVar variation 255414 (VCV000255414.14), dbSNP rs116195563, ClinGen allele CA4230970.

ClinVar aggregate classification (germline): Benign/Likely benign. Review status: criteria provided, multiple submitters, no conflicts (2 of 4 stars). 7 submissions from 5 submitters: Benign (6); Likely benign (1). Last evaluated 2026-02-01.

Conditions:
Polydactyly. Also called: polydactylism. Identifiers: MedGen C0152427, MONDO:0021003, OMIM 603596, HP:0010442.
Polysyndactyly 4. Also called: Polysyndactyly uncomplicated; Preaxial polydactyly 4. Identifiers: Orphanet 93338, MedGen C1868111, MONDO:0008272, OMIM 174700.
Polydactyly, postaxial, type A1. Identifiers: MedGen C4282400, MONDO:0008266, OMIM 174200.
Greig cephalopolysyndactyly syndrome (GCPS). Also called: GLI3-Related Greig Cephalopolysyndactyly Syndrome; POLYSYNDACTYLY WITH PECULIAR SKULL SHAPE; Greig syndrome. Identifiers: Orphanet 380, MedGen C0265306, MONDO:0008287, OMIM 175700.
Pallister-Hall syndrome (PHS). Also called: GLI3-Related Pallister-Hall Syndrome; HYPOTHALAMIC HAMARTOBLASTOMA, HYPOPITUITARISM, IMPERFORATE ANUS, AND POSTAXIAL POLYDACTYLY. Identifiers: Orphanet 672, MedGen C0265220, MONDO:0007804, OMIM 146510.

Allele frequency attached by ClinVar (database versions not stated): gnomAD exomes 0.00075 and 0.00219; 1000 Genomes Project 30x 0.01140; ExAC 0.00299; gnomAD 0.00811 and 0.00867; TOPMed 0.00916; 1000 Genomes Project 0.01038.
gnomAD v4.1: 2,375 of 1,608,960 alleles (0.15%); highest among the groups gnomAD compares: African/African-American, 2.8%; 34 homozygotes.

Submissions (7):

Labcorp Genetics (formerly Invitae), Labcorp
Classification: Benign for Pallister-Hall syndrome; Greig cephalopolysyndactyly syndrome. Last evaluated: 2026-02-01. Review status: criteria provided, single submitter. Criteria: Invitae Variant Classification Sherloc (09022015). Collection method: clinical testing. Allele origin: germline.

Fulgent Genetics
Classification: Likely benign for Pallister-Hall syndrome; Polydactyly, postaxial, type A1; Polysyndactyly 4; Greig cephalopolysyndactyly syndrome. Last evaluated: 2022-01-21. Review status: criteria provided, single submitter. Criteria: ACMG Guidelines, 2015. Collection method: clinical testing. Allele origin: unknown.

Illumina Laboratory Services, Illumina
Classification: Benign for Greig cephalopolysyndactyly syndrome. Last evaluated: 2018-01-12. Review status: criteria provided, single submitter. Criteria: ICSL Variant Classification Criteria 13 December 2019. Collection method: clinical testing. Allele origin: germline.
Comment: This variant was observed in the ICSL laboratory as part of a predisposition screen in an ostensibly healthy population. It had not been previously curated by ICSL or reported in the Human Gene Mutation Database (HGMD: prior to June 1st, 2018), and was therefore a candidate for classification through an automated scoring system. Utilizing variant allele frequency, disease prevalence and penetrance estimates, and inheritance mode, an automated score was calculated to assess if this variant is too frequent to cause the disease. Based on the score and internal cut-off values, a variant classified as benign is not then subjected to further curation. The score for this variant resulted in a classification of benign for this disease.

Illumina Laboratory Services, Illumina
Classification: Benign for Pallister-Hall syndrome. Last evaluated: 2018-01-12. Review status: criteria provided, single submitter. Criteria: ICSL Variant Classification Criteria 13 December 2019. Collection method: clinical testing. Allele origin: germline.
Comment: the same text as in the submission from Illumina Laboratory Services, Illumina above.

Illumina Laboratory Services, Illumina
Classification: Benign for Polydactyly. Last evaluated: 2018-01-12. Review status: criteria provided, single submitter. Criteria: ICSL Variant Classification Criteria 13 December 2019. Collection method: clinical testing. Allele origin: germline.
Comment: the same text as in the submission from Illumina Laboratory Services, Illumina above.

GeneDx
Classification: Benign. Last evaluated: 2015-08-11. Review status: criteria provided, single submitter. Criteria: GeneDx Variant Classification (06012015). Collection method: clinical testing. Allele origin: germline. Affected: yes.
Comment: This variant is considered likely benign or benign based on one or more of the following criteria: it is a conservative change, it occurs at a poorly conserved position in the protein, it is predicted to be benign by multiple in silico algorithms, and/or has population frequency not consistent with disease.

PreventionGenetics, part of Exact Sciences
Classification: Benign. Review status: criteria provided, single submitter. Criteria: ACMG Guidelines, 2015. Collection method: clinical testing. Allele origin: germline.